The following is an entry in ClinVar:

ClinVar aggregate classification (germline): Uncertain significance. Review status: criteria provided, multiple submitters, no conflicts (2 of 4 stars). 3 submissions from 3 submitters: Uncertain significance (3). Last evaluated 2025-11-20.

Conditions:
Pheochromocytoma/paraganglioma syndrome 4. Also called: SDHB-Related Hereditary Paraganglioma-Pheochromocytoma Syndrome (Paragangliomas 4); PARAGANGLIOMA, FAMILIAL MALIGNANT; PARAGANGLIOMAS, HEREDITARY EXTRAADRENAL; PHEOCHROMOCYTOMA, FAMILIAL EXTRAADRENAL; Paragangliomas 4; CAROTID BODY TUMORS AND MULTIPLE EXTRAADRENAL PHEOCHROMOCYTOMAS. Identifiers: Orphanet 29072, MedGen C1861848, MONDO:0007273, OMIM 115310.
Gastrointestinal stromal tumor. Also called: Gastrointestinal stroma tumor; Gastrointestinal stromal tumor, somatic. Identifiers: Orphanet 44890, MedGen C0238198, MeSH D046152, MONDO:0011719, OMIM 606764, HP:0100723.
Pheochromocytoma. Also called: MAX-Related Hereditary Paraganglioma-Pheochromocytoma Syndrome. Identifiers: Orphanet 29072, MedGen C0031511, MONDO:0008233, OMIM 171300, HP:0002666.
Hereditary cancer-predisposing syndrome. Also called: Tumor predisposition; Hereditary neoplastic syndrome; Hereditary Cancer Syndrome; Neoplastic Syndromes, Hereditary. Identifiers: Orphanet 140162, MedGen C0027672, MeSH D009386, MONDO:0015356.
Hereditary pheochromocytoma and paraganglioma. Also called: Hereditary paragangliomas and pheochromocytomas; Hereditary Paraganglioma-Pheochromocytoma Syndromes; Hereditary pheochromocytoma-paraganglioma. Identifiers: Orphanet 29072, MedGen C4274332, MONDO:0017366.

gnomAD v4.1: 2 of 1,612,974 alleles (0.00012%); highest among the groups gnomAD compares: Admixed American, 0.0033%; no homozygotes.

Submissions (3):

Ambry Genetics
Classification: Uncertain significance for Hereditary cancer-predisposing syndrome. Last evaluated: 2025-11-20. Review status: criteria provided, single submitter. Criteria: Ambry Variant Classification Scheme 2023. Collection method: clinical testing. Allele origin: germline.
Comment: The p.Y273F variant (also known as c.818A>T), located in coding exon 8 of the SDHB gene, results from an A to T substitution at nucleotide position 818. The tyrosine at codon 273 is replaced by phenylalanine, an amino acid with highly similar properties. This amino acid position is highly conserved in available vertebrate species. In addition, this alteration is predicted to be deleterious by in silico analysis. Since supporting evidence is limited at this time, the clinical significance of this alteration remains unclear.

Labcorp Genetics (formerly Invitae), Labcorp
Classification: Uncertain significance for Gastrointestinal stromal tumor; Pheochromocytoma/paraganglioma syndrome 4; Pheochromocytoma. Last evaluated: 2025-05-19. Review status: criteria provided, single submitter. Criteria: Invitae Variant Classification Sherloc (09022015). Collection method: clinical testing. Allele origin: germline.
Comment: This sequence change replaces tyrosine, which is neutral and polar, with phenylalanine, which is neutral and non-polar, at codon 273 of the SDHB protein (p.Tyr273Phe). This variant is present in population databases (no rsID available, gnomAD 0.006%). This variant has not been reported in the literature in individuals affected with SDHB-related conditions. ClinVar contains an entry for this variant (Variation ID: 486424). Invitae Evidence Modeling of protein sequence and biophysical properties (such as structural, functional, and spatial information, amino acid conservation, physicochemical variation, residue mobility, and thermodynamic stability) indicates that this missense variant is not expected to disrupt SDHB protein function with a negative predictive value of 95%. In summary, the available evidence is currently insufficient to determine the role of this variant in disease. Therefore, it has been classified as a Variant of Uncertain Significance.

All of Us Research Program, National Institutes of Health
Classification: Uncertain significance for Hereditary pheochromocytoma and paraganglioma. Last evaluated: 2024-01-03. Review status: criteria provided, single submitter. Criteria: ACMG Guidelines, 2015. Collection method: clinical testing. Allele origin: germline. Inheritance: Autosomal dominant inheritance. Observed: 1 variant allele, 1 heterozygote.
Comment: This missense variant replaces tyrosine with phenylalanine at codon 273 of the SDHB protein. Computational prediction is inconclusive regarding the impact of this variant on protein structure and function (internally defined REVEL score threshold 0.5 < inconclusive < 0.7, PMID: 27666373). To our knowledge, functional studies have not been reported for this variant. This variant has not been reported in individuals affected with SDHB-related disorders in the literature. This variant has been identified in 2/251352 chromosomes in the general population by the Genome Aggregation Database (gnomAD). The available evidence is insufficient to determine the role of this variant in disease conclusively. Therefore, this variant is classified as a Variant of Uncertain Significance.

This study involves interpretation of variants in research participants for the purpose of population health screening. Participant phenotype was not available at the time of variant classification. Additional details can be found in publication PMID: 35346344, PMCID: PMC8962531

NM_003000.3(SDHB):c.818A>T (p.Tyr273Phe)

Gene: SDHB (succinate dehydrogenase complex iron sulfur subunit B; minus strand). Cytogenetic location: 1p36.13.
Variant type: single nucleotide variant.
Coding change: c.818A>T on transcript NM_003000.3 (MANE Select); coding-DNA position 818, A replaced by T.
Protein change: p.Tyr273Phe; replaces tyrosine 273 with phenylalanine.
Molecular consequence: missense variant.
Genome position (GRCh38, 1-based): chr1:17,018,906, T>A on the plus strand (A>T on the coding strand, the complement: SDHB is on the minus strand). VCF-style: chr1-17018906-T-A. GRCh37 (hg19) VCF-style: chr1-17345401-T-A.
Other names: short protein forms Y273F.
Identifiers: ClinVar variation 486424 (VCV000486424.14), dbSNP rs773523792, ClinGen allele CA338268794.